The following is an entry in ClinVar:

NM_000222.3(KIT):c.115A>C (p.Ile39Leu)

Gene: KIT (KIT proto-oncogene, receptor tyrosine kinase; plus strand). Cytogenetic location: 4q12.
Variant type: single nucleotide variant.
Coding change: c.115A>C on transcript NM_000222.3 (MANE Select); coding-DNA position 115, A replaced by C.
Protein change: p.Ile39Leu; replaces isoleucine 39 with leucine.
Molecular consequence: missense variant.
Genome position (GRCh38, 1-based): chr4:54,695,559, A>C. VCF-style: chr4-54695559-A-C. GRCh37 (hg19) VCF-style: chr4-55561725-A-C.
Other names: c.115A>C, p.Ile39Leu (NM_001385285.1, NM_001385286.1, NM_001385288.1 and 4 more transcripts); short protein forms I39L.
Identifiers: ClinVar variation 2706769 (VCV002706769.3), dbSNP rs1298190443, ClinGen allele CA356896870.

ClinVar aggregate classification (germline): Uncertain significance (1 of 4 stars; one submission).

Conditions:
Gastrointestinal stromal tumor. Also called: Gastrointestinal stromal tumor, somatic; Gastrointestinal stroma tumor. Identifiers: Orphanet 44890, MedGen C0238198, MeSH D046152, MONDO:0011719, OMIM 606764, HP:0100723.

Submission:

Labcorp Genetics (formerly Invitae), Labcorp
Classification: Uncertain significance for Gastrointestinal stromal tumor. Last evaluated: 2023-12-31. Review status: criteria provided, single submitter. Criteria: Invitae Variant Classification Sherloc (09022015). Collection method: clinical testing. Allele origin: germline.
Comment: This sequence change replaces isoleucine, which is neutral and non-polar, with leucine, which is neutral and non-polar, at codon 39 of the KIT protein (p.Ile39Leu). This variant is not present in population databases (gnomAD no frequency). This variant has not been reported in the literature in individuals affected with KIT-related conditions. An algorithm developed to predict the effect of missense changes on protein structure and function (PolyPhen-2) suggests that this variant is likely to be tolerated. In summary, the available evidence is currently insufficient to determine the role of this variant in disease. Therefore, it has been classified as a Variant of Uncertain Significance.